The following is an entry in ClinVar:

NM_020366.4(RPGRIP1):c.2759_2760insT (p.Gln920fs)

Gene: RPGRIP1 (RPGR interacting protein 1; plus strand). Cytogenetic location: 14q11.2.
Variant type: Insertion.
Coding change: c.2759_2760insT on transcript NM_020366.4 (MANE Select); coding-DNA positions 2759 to 2760, T inserted.
Protein change: p.Gln920fs; shifts the reading frame from glutamine 920.
Molecular consequence: frameshift variant.
Genome position: GRCh38 VCF-style: chr14-21327671-A-AT. GRCh37 (hg19) VCF-style: chr14-21795830-A-AT.
Other names: c.239_240insT, p.Gln80fs (NM_001377951.1); c.737_738insT, p.Gln246fs (NM_001377523.1, NM_001377950.1); c.1685_1686insT, p.Gln562fs (NM_001377948.1); c.845_846insT, p.Gln282fs (NM_001377949.1); short protein forms Q920fs, Q246fs, Q282fs, Q562fs, Q80fs.
Identifiers: ClinVar variation 803005 (VCV000803005.7), dbSNP rs61751270, ClinGen allele CA704084657.

ClinVar aggregate classification (germline): Pathogenic. Review status: criteria provided, multiple submitters, no conflicts (2 of 4 stars). 3 submissions from 3 submitters: Pathogenic (2). 1 of the submissions does not count toward it. Last evaluated 2023-12-25.

Conditions:
Leber congenital amaurosis 6 (LCA6). Identifiers: Orphanet 65, MedGen C1854260, MONDO:0013446, OMIM 613826.
Cone-rod dystrophy 13 (CORD13). Identifiers: Orphanet 1872, MedGen C2750720, MONDO:0011987, OMIM 608194.
Leber congenital amaurosis 1 (LCA1). Also called: RETINAL BLINDNESS, CONGENITAL; AMAUROSIS CONGENITA OF LEBER I; Congenital absence of the rods and cones; Leber's congenital tapetoretinal degeneration; Leber's congenital tapetoretinal dysplasia. Identifiers: Orphanet 65, MedGen C2931258, MONDO:0008764, OMIM 204000.

Allele frequency attached by ClinVar (database versions not stated): gnomAD exomes below 0.00001; TOPMed 0.00001.

Submissions (3):

Labcorp Genetics (formerly Invitae), Labcorp
Classification: Pathogenic for Leber congenital amaurosis 6; Cone-rod dystrophy 13. Last evaluated: 2023-12-25. Review status: criteria provided, single submitter. Criteria: Invitae Variant Classification Sherloc (09022015). Collection method: clinical testing. Allele origin: germline.
Comment: This sequence change creates a premature translational stop signal (p.Gln920Hisfs*14) in the RPGRIP1 gene. It is expected to result in an absent or disrupted protein product. Loss-of-function variants in RPGRIP1 are known to be pathogenic (PMID: 11528500, 23105016). This variant is not present in population databases (gnomAD no frequency). This premature translational stop signal has been observed in individual(s) with Leber congenital amaurosis (PMID: 11283794). It has also been observed to segregate with disease in related individuals. This variant is also known as Gln893(1-bp ins) . ClinVar contains an entry for this variant (Variation ID: 803005). For these reasons, this variant has been classified as Pathogenic.

Mendelics
Classification: Pathogenic for Leber congenital amaurosis 1. Last evaluated: 2019-05-28. Review status: criteria provided, single submitter. Criteria: Mendelics Assertion Criteria 2017. Collection method: clinical testing. Allele origin: unknown.

OMIM
Classification: Pathogenic for LEBER CONGENITAL AMAUROSIS 6. Last evaluated: 2001-05-01. Review status: no assertion criteria provided. Collection method: literature only. Allele origin: germline. Not counted in ClinVar's aggregate classification.

Literature cited by the submitters: PubMed 11528500 (cited by Labcorp Genetics (formerly Invitae), Labcorp); PubMed 23105016 (cited by Labcorp Genetics (formerly Invitae), Labcorp); PubMed 11283794 (cited by Labcorp Genetics (formerly Invitae), Labcorp and OMIM).